The following is an entry in ClinVar:

NM_003193.5(TBCE):c.460+3A>G

Gene: TBCE (tubulin folding cofactor E; plus strand). Cytogenetic location: 1q42.3.
Variant type: single nucleotide variant.
Coding change: c.460+3A>G on transcript NM_003193.5 (MANE Select); 3 bases into the intron after coding-DNA position 460, A replaced by G.
Molecular consequence: intron variant.
Genome position (GRCh38, 1-based): chr1:235,419,564, A>G. VCF-style: chr1-235419564-A-G. GRCh37 (hg19) VCF-style: chr1-235582879-A-G.
Other names: c.460+3A>G (NM_001079515.3, NM_001287801.2); c.121+3A>G (NM_001287802.2).
Identifiers: ClinVar variation 1997439 (VCV001997439.4), dbSNP rs2526961819, ClinGen allele CA423761519.

ClinVar aggregate classification (germline): Uncertain significance (1 of 4 stars; one submission).

Allele frequency attached by ClinVar (database versions not stated): gnomAD exomes below 0.00001.
gnomAD v4.1: 4 of 1,613,992 alleles (0.00025%); highest among the groups gnomAD compares: Non-Finnish European, 0.00034%; no homozygotes.

Submission:

Labcorp Genetics (formerly Invitae), Labcorp
Classification: Uncertain significance. Last evaluated: 2022-11-01. Review status: criteria provided, single submitter. Criteria: Invitae Variant Classification Sherloc (09022015). Collection method: clinical testing. Allele origin: germline.
Comment: This variant has not been reported in the literature in individuals affected with TBCE-related conditions. This sequence change falls in intron 5 of the TBCE gene. It does not directly change the encoded amino acid sequence of the TBCE protein. It affects a nucleotide within the consensus splice site. This variant is not present in population databases (gnomAD no frequency). Variants that disrupt the consensus splice site are a relatively common cause of aberrant splicing (PMID: 17576681, 9536098). Algorithms developed to predict the effect of sequence changes on RNA splicing suggest that this variant may disrupt the consensus splice site. In summary, the available evidence is currently insufficient to determine the role of this variant in disease. Therefore, it has been classified as a Variant of Uncertain Significance.

Literature cited by the submitters: PubMed 17576681; PubMed 9536098.